The following is an entry in ClinVar:

NM_001148.6(ANK2):c.5595A>T (p.Arg1865Ser)

Genes: ANK2 (ankyrin 2; plus strand), LOC126807136 (MED14-independent group 3 enhancer GRCh37_chr4:114274931-114276130; plus strand). Cytogenetic location: 4q26.
Variant type: single nucleotide variant.
Coding change: c.5595A>T on transcript NM_001148.6 (MANE Select); coding-DNA position 5595, A replaced by T.
Protein change: p.Arg1865Ser; replaces arginine 1865 with serine.
Molecular consequence: missense variant. On other transcripts: intron variant (68).
Genome position (GRCh38, 1-based): chr4:113,354,213, A>T. VCF-style: chr4-113354213-A-T. GRCh37 (hg19) VCF-style: chr4-114275369-A-T.
Other names: c.5361A>T, p.Arg1787Ser (NM_001386142.1); c.1995A>T, p.Arg665Ser (NM_001386166.1); c.5736A>T, p.Arg1912Ser (NM_001386174.1); c.5712A>T, p.Arg1904Ser (NM_001386175.1); c.4411+3964A>T (NM_001386186.2, NM_001386148.2); c.4213+3964A>T (NM_001354269.3); c.4291+3964A>T (NM_001386187.2); c.4252+3964A>T (NM_001386147.1); and 35 more; short protein forms R665S, R1865S, R1787S, R1904S, R1912S.
Identifiers: ClinVar variation 1748507 (VCV001748507.3), dbSNP rs1368500978, ClinGen allele CA357920392.

ClinVar aggregate classification (germline): Uncertain significance (1 of 4 stars; one submission).

Conditions:
Cardiovascular phenotype. Identifiers: MedGen CN230736.

Allele frequency attached by ClinVar (database versions not stated): gnomAD exomes below 0.00001.
gnomAD v4.1: 2 of 1,613,902 alleles (0.00012%); no homozygotes.

Submission:

Ambry Genetics
Classification: Uncertain significance for Cardiovascular phenotype. Last evaluated: 2025-10-05. Review status: criteria provided, single submitter. Criteria: Ambry Variant Classification Scheme 2023. Collection method: clinical testing. Allele origin: germline.
Comment: The p.R1865S variant (also known as c.5595A>T), located in coding exon 38 of the ANK2 gene, results from an A to T substitution at nucleotide position 5595. The arginine at codon 1865 is replaced by serine, an amino acid with dissimilar properties. This amino acid position is conserved. In addition, this alteration is predicted to be tolerated by in silico analysis. Since supporting evidence is limited at this time, the clinical significance of this alteration remains unclear.